The following is an entry in ClinVar:

NM_000214.3(JAG1):c.539A>C (p.Glu180Ala)

Gene: JAG1 (jagged canonical Notch ligand 1; minus strand). Cytogenetic location: 20p12.2.
Variant type: single nucleotide variant.
Coding change: c.539A>C on transcript NM_000214.3 (MANE Select); coding-DNA position 539, A replaced by C.
Protein change: p.Glu180Ala; replaces glutamic acid 180 with alanine.
Molecular consequence: missense variant.
Genome position (GRCh38, 1-based): chr20:10,658,623, T>G on the plus strand (A>C on the coding strand, the complement: JAG1 is on the minus strand). VCF-style: chr20-10658623-T-G. GRCh37 (hg19) VCF-style: chr20-10639271-T-G.
Other names: short protein forms E180A.
Identifiers: ClinVar variation 3287120 (VCV003287120.1).
Genomic context (GRCh38, chr20:10,658,623, plus strand): 5'-CAGAACTTATTGCAGCCAAAGCCATAGTAGTAGTCATCACAGGTCACGCGGATCTGATAC[T>G]CAAAGTGGGCAACGCCCGTGTTCTGCTTCAGCGTCTGCCACTGCCGGCTGGGGTTGATCA-3'
Protein context (NP_000205.1, residues 170-190): LKQNTGVAHF[Glu180Ala]YQIRVTCDDY

ClinVar aggregate classification (germline): Uncertain significance (1 of 4 stars; one submission).

Conditions:
Cardiovascular phenotype. Identifiers: MedGen CN230736.

Submission:

Ambry Genetics
Classification: Uncertain significance for Cardiovascular phenotype. Last evaluated: 2024-06-21. Review status: criteria provided, single submitter. Criteria: Ambry Variant Classification Scheme 2023. Collection method: clinical testing. Allele origin: germline.
Comment: The p.E180A variant (also known as c.539A>C), located in coding exon 4 of the JAG1 gene, results from an A to C substitution at nucleotide position 539. The glutamic acid at codon 180 is replaced by alanine, an amino acid with dissimilar properties. This amino acid position is conserved. In addition, this alteration is predicted to be deleterious by in silico analysis. Based on the available evidence, the clinical significance of this variant remains unclear.